The following is an entry in ClinVar:

NM_014159.7(SETD2):c.3098C>T (p.Thr1033Ile)

Gene: SETD2 (SET domain containing 2, histone lysine methyltransferase; minus strand). Cytogenetic location: 3p21.31.
Variant type: single nucleotide variant.
Coding change: c.3098C>T on transcript NM_014159.7 (MANE Select); coding-DNA position 3098, C replaced by T.
Protein change: p.Thr1033Ile; replaces threonine 1033 with isoleucine.
Molecular consequence: missense variant. On other transcripts: non-coding transcript variant (1).
Genome position (GRCh38, 1-based): chr3:47,121,538, G>A on the plus strand (C>T on the coding strand, the complement: SETD2 is on the minus strand). VCF-style: chr3-47121538-G-A. GRCh37 (hg19) VCF-style: chr3-47163028-G-A.
Other names: c.2966C>T, p.Thr989Ile (NM_001349370.3); short protein forms T1033I, T989I.
Identifiers: ClinVar variation 851309 (VCV000851309.6), dbSNP rs2043087836, ClinGen allele CA352523726.

ClinVar aggregate classification (germline): Uncertain significance (1 of 4 stars; one submission).

Conditions:
Luscan-Lumish syndrome. Identifiers: Orphanet 597738, MedGen C4085873, MONDO:0014791, OMIM 616831.

Allele frequency attached by ClinVar (database versions not stated): gnomAD exomes below 0.00001.
gnomAD v4.1: 1 of 1,614,070 alleles (0.000062%); highest among the groups gnomAD compares: Non-Finnish European, 0.000085%; no homozygotes.

Submission:

Labcorp Genetics (formerly Invitae), Labcorp
Classification: Uncertain significance for Luscan-Lumish syndrome. Last evaluated: 2020-09-01. Review status: criteria provided, single submitter. Criteria: Invitae Variant Classification Sherloc (09022015). Collection method: clinical testing. Allele origin: germline.
Comment: In summary, the available evidence is currently insufficient to determine the role of this variant in disease. Therefore, it has been classified as a Variant of Uncertain Significance. Algorithms developed to predict the effect of missense changes on protein structure and function (SIFT, PolyPhen-2, Align-GVGD) all suggest that this variant is likely to be tolerated, but these predictions have not been confirmed by published functional studies and their clinical significance is uncertain. This variant has not been reported in the literature in individuals with SETD2-related conditions. This variant is not present in population databases (ExAC no frequency). This sequence change replaces threonine with isoleucine at codon 1033 of the SETD2 protein (p.Thr1033Ile). The threonine residue is moderately conserved and there is a moderate physicochemical difference between threonine and isoleucine.